The following is an entry in ClinVar:

ClinVar aggregate classification (germline): Uncertain significance. Review status: criteria provided, multiple submitters, no conflicts (2 of 4 stars). 2 submissions from 2 submitters: Uncertain significance (2). Last evaluated 2026-01-20.

Conditions:
X-linked Alport syndrome (ATS1). Also called: NEPHROPATHY AND DEAFNESS, X-LINKED; COL4A5-Related Nephropathy. Identifiers: Orphanet 63, Orphanet 88917, MedGen C4746986, MONDO:0010520, OMIM 301050.

Submissions (2):

Institute of Human Genetics, University of Leipzig Medical Center
Classification: Uncertain significance for X-linked Alport syndrome. Last evaluated: 2026-01-20. Review status: criteria provided, single submitter. Criteria: ACMG Guidelines, 2015. Collection method: clinical testing. Allele origin: unknown. Inheritance: X-linked dominant inheritance. Affected: yes.
Comment: Criteria applied: PM2,PP3

GeneDx
Classification: Uncertain significance. Last evaluated: 2025-08-27. Review status: criteria provided, single submitter. Criteria: GeneDx Variant Classification Process June 2021. Collection method: clinical testing. Allele origin: germline. Affected: yes.
Comment: Not observed in large population cohorts (gnomAD); Has not been previously published as pathogenic or benign to our knowledge; In silico analysis supports a deleterious effect on splicing

NM_033380.3(COL4A5):c.4316-11C>A

Gene: COL4A5 (collagen type IV alpha 5 chain; plus strand). Cytogenetic location: Xq22.3.
Variant type: single nucleotide variant.
Coding change: c.4316-11C>A on transcript NM_033380.3 (MANE Select); 11 bases into the intron before coding-DNA position 4316, C replaced by A.
Molecular consequence: intron variant.
Genome position (GRCh38, 1-based): chrX:108,687,471, C>A. VCF-style: chrX-108687471-C-A. GRCh37 (hg19) VCF-style: chrX-107930701-C-A.
Other names: c.4298-11C>A (NM_000495.5).
Identifiers: ClinVar variation 1218017 (VCV001218017.5), dbSNP rs369725471, ClinGen allele CA2499226310.